The following is an entry in ClinVar:

NM_001130969.3(NSMF):c.909C>T (p.His303=)

Gene: NSMF (NMDA receptor synaptonuclear signaling and neuronal migration factor; minus strand). Cytogenetic location: 9q34.3.
Variant type: single nucleotide variant.
Coding change: c.909C>T on transcript NM_001130969.3 (MANE Select); coding-DNA position 909, C replaced by T.
Protein change: p.His303=; no amino-acid change (histidine 303 retained).
Molecular consequence: synonymous variant. On other transcripts: intron variant (1).
Genome position (GRCh38, 1-based): chr9:137,453,744, G>A on the plus strand (C>T on the coding strand, the complement: NSMF is on the minus strand). VCF-style: chr9-137453744-G-A. GRCh37 (hg19) VCF-style: chr9-140348196-G-A.
Other names: c.840C>T, p.His280= (NM_001130970.2); c.834C>T, p.His278= (NM_001130971.2); c.903C>T, p.His301= (NM_015537.5, NM_182780.1); c.833-564C>T (NM_001178064.2); c.909C>T (NM_001130969.1).
Identifiers: ClinVar variation 2851367 (VCV002851367.5), dbSNP rs148475876, ClinGen allele CA5370319.

ClinVar aggregate classification (germline): Likely benign. Review status: criteria provided, single submitter (1 of 4 stars). 2 submissions from 2 submitters: Likely benign (1). 1 of the submissions does not count toward it. Last evaluated 2025-06-30.

Conditions:
NSMF-related disorder. Also called: NSMF-related condition.

Allele frequency attached by ClinVar (database versions not stated): gnomAD 0.00018; TOPMed 0.00022; ESP Exome Variant Server 0.00015; ExAC 0.00028.
gnomAD v4.1: 321 of 1,601,798 alleles (0.02%); highest among the groups gnomAD compares: Admixed American, 0.04%; no homozygotes.

Submissions (2):

Labcorp Genetics (formerly Invitae), Labcorp
Classification: Likely benign. Last evaluated: 2025-06-30. Review status: criteria provided, single submitter. Criteria: Invitae Variant Classification Sherloc (09022015). Collection method: clinical testing. Allele origin: germline.

PreventionGenetics, part of Exact Sciences
Classification: Likely benign for NSMF-related condition. Last evaluated: 2019-11-05. Review status: no assertion criteria provided. Collection method: clinical testing. Allele origin: germline. Not counted in ClinVar's aggregate classification.
Comment: This variant is classified as likely benign based on ACMG/AMP sequence variant interpretation guidelines (Richards et al. 2015 PMID: 25741868, with internal and published modifications).